The following is an entry in ClinVar:

NM_000277.3(PAH):c.733G>A (p.Val245Met)

Gene: PAH (phenylalanine hydroxylase; minus strand). Cytogenetic location: 12q23.2.
Variant type: single nucleotide variant.
Coding change: c.733G>A on transcript NM_000277.3 (MANE Select); coding-DNA position 733, G replaced by A.
Protein change: p.Val245Met; replaces valine 245 with methionine.
Molecular consequence: missense variant.
Genome position (GRCh38, 1-based): chr12:102,852,924, C>T on the plus strand (G>A on the coding strand, the complement: PAH is on the minus strand). VCF-style: chr12-102852924-C-T. GRCh37 (hg19) VCF-style: chr12-103246702-C-T.
Other names: NM_000277.2(PAH):c.733G>A; p.Val245Met; c.733G>A, p.Val245Met (NM_001354304.2); short protein forms V245M.
Identifiers: ClinVar variation 102809 (VCV000102809.16), dbSNP rs62508694, ClinGen allele CA229722.

ClinVar aggregate classification (germline): Pathogenic. Review status: reviewed by expert panel (3 of 4 stars). 4 submissions from 4 submitters: Pathogenic (1). 3 of the submissions do not count toward it. Last evaluated 2020-11-10.

Conditions:
Phenylketonuria (PKU). Also called: FOLLING DISEASE; Phenylketonurias; OLIGOPHRENIA PHENYLPYRUVICA; Phenylketonuria (PKU). Identifiers: Orphanet 716, MedGen C0031485, MONDO:0009861, OMIM 261600. Disease mechanism: loss of function.

Submissions (4):

ClinGen PAH Variant Curation Expert Panel
Classification: Pathogenic for Phenylketonuria. Last evaluated: 2020-11-10. Review status: reviewed by expert panel. Criteria: ClinGen PAH ACMG Specifications v1. Collection method: curation. Allele origin: germline. Inheritance: Autosomal recessive inheritance.
Comment: The c.733G>A (p.Val245Met) variant in PAH has been reported in 2 individuals with PAH deficiency, detected in trans with pathogenic variants p.E178G (PMID: 26542770) and c.913-7A>G (PMID: 29316886). This variant is absent in population databases. Other missense variants at this same amino acid are interpreted as pathogenic (p.V245A, p.V245L, p.V245E). Computational prediction tools and conservation analysis support a deleterious effect. In summary, this variant meets criteria to be classified as pathogenic for PAH. PAH-specific ACMG/AMP criteria applied: PM3_strong, PM2, PM5, PP4, PP3.

Women's Health and Genetics/Laboratory Corporation of America, LabCorp
Classification: Likely pathogenic for Phenylketonuria. Last evaluated: 2024-12-12. Review status: criteria provided, single submitter. Criteria: LabCorp Variant Classification Summary - May 2015. Collection method: clinical testing. Allele origin: germline. Not counted in ClinVar's aggregate classification.
Comment: Variant summary: PAH c.733G>A (p.Val245Met) results in a conservative amino acid change located in the Aromatic aminoacid monoxygenases, catalytic and oligomerization domain (IPR036329) of the encoded protein sequence. Four of five in-silico tools predict a damaging effect of the variant on protein function. The variant was absent in 251200 control chromosomes. c.733G>A has been reported in the literature in individuals affected with Phenylketonuria or Hyperphenylalaninemia of mild or unreported severity, as a compound heterozygous genotype or heterozygous genotype without reported second variant (e.g. Bayat_2016, Liu_2018, Men_2022, Reblova_2013). These data indicate that the variant may be associated with disease. Multiple different variants affecting the same codon have been classified as pathogenic by our lab (p.Val245Leu, p.Val245Ala), supporting the critical relevance of codon 245 to PAH protein function. One publication reports experimental evidence evaluating an impact on protein function showing the variant results in reduced PAH protein levels in vitro, however, does not allow convincing conclusions about the variant effect (e.g. Zong_2018). The following publications have been ascertained in the context of this evaluation (PMID: 26542770, 28982351, 36787440, 23357515, 29653233). ClinVar contains an entry for this variant (Variation ID: 102809). Based on the evidence outlined above, the variant was classified as likely pathogenic.

CeGaT Center for Human Genetics Tuebingen
Classification: Pathogenic. Last evaluated: 2024-12-01. Review status: criteria provided, single submitter. Criteria: CeGaT Center For Human Genetics Tuebingen Variant Classification Criteria Version 2. Collection method: clinical testing. Allele origin: germline. Affected: yes. Observed: 1 variant allele. Not counted in ClinVar's aggregate classification.
Comment: PAH: PM3:Strong, PM2, PM5, PP4:Moderate, PP3, PS3:Supporting

DeBelle Laboratory for Biochemical Genetics, MUHC/MCH RESEARCH INSTITUTE
No classification provided. Review status: no classification provided. Collection method: not provided. Allele origin: not provided. Not counted in ClinVar's aggregate classification.

Literature cited by the submitters: PubMed 26542770 (cited by ClinGen PAH Variant Curation Expert Panel and Women's Health and Genetics/Laboratory Corporation of America, LabCorp); PubMed 23357515 (cited by Women's Health and Genetics/Laboratory Corporation of America, LabCorp); PubMed 28982351 (cited by Women's Health and Genetics/Laboratory Corporation of America, LabCorp); PubMed 29653233 (cited by Women's Health and Genetics/Laboratory Corporation of America, LabCorp); PubMed 36787440 (cited by Women's Health and Genetics/Laboratory Corporation of America, LabCorp).